The following is an entry in ClinVar:

NM_000969.5(RPL5):c.474A>C (p.Lys158Asn)

Genes: DIPK1A (divergent protein kinase domain 1A; minus strand), RPL5 (ribosomal protein L5; plus strand). Cytogenetic location: 1p22.1.
Variant type: single nucleotide variant.
Coding change: c.474A>C on transcript NM_000969.5 (MANE Select); coding-DNA position 474, A replaced by C.
Protein change: p.Lys158Asn; replaces lysine 158 with asparagine.
Molecular consequence: missense variant. On other transcripts: non-coding transcript variant (1), intron variant (1).
Genome position (GRCh38, 1-based): chr1:92,836,339, A>C. VCF-style: chr1-92836339-A-C. GRCh37 (hg19) VCF-style: chr1-93301896-A-C.
Other names: c.475-3305T>G (NM_001252273.2); short protein forms K158N.
Identifiers: ClinVar variation 2581907 (VCV002581907.3), dbSNP rs1687125364, ClinGen allele CA341242442.
Genomic context (GRCh38, chr1:92,836,339, plus strand): 5'-GCCAGGTGCCTTCACCTGCTATTTGGATGCAGGCCTTGCCAGAACTACCACTGGCAATAA[A>C]GTTTTTGGTGCCCTGAAGGGAGCTGTGGATGGAGGCTTGTCTATCCCTCACAGGTAAGAA-3'
Protein context (NP_000960.2, residues 148-168): AGLARTTTGN[Lys158Asn]VFGALKGAVD

ClinVar aggregate classification (germline): Uncertain significance. Review status: criteria provided, multiple submitters, no conflicts (2 of 4 stars). 2 submissions from 2 submitters: Uncertain significance (2). Last evaluated 2024-10-03.

Conditions:
Diamond-Blackfan anemia. Also called: Blackfan Diamond syndrome; Aregenerative anemia chronic congenital; Red cell aplasia, pure hereditary; Congenital hypoplastic anemia; Aase syndrome. Identifiers: Orphanet 124, MedGen C1260899, MeSH D029503, MONDO:0015253, HP:0004810.

Allele frequency attached by ClinVar (database versions not stated): gnomAD exomes below 0.00001; TOPMed below 0.00001.
gnomAD v4.1: 1 of 1,614,184 alleles (0.000062%); highest among the groups gnomAD compares: Non-Finnish European, 0.000085%; no homozygotes.

Submissions (2):

Labcorp Genetics (formerly Invitae), Labcorp
Classification: Uncertain significance for Diamond-Blackfan anemia. Last evaluated: 2024-10-03. Review status: criteria provided, single submitter. Criteria: Invitae Variant Classification Sherloc (09022015). Collection method: clinical testing. Allele origin: germline.
Comment: This sequence change replaces lysine, which is basic and polar, with asparagine, which is neutral and polar, at codon 158 of the RPL5 protein (p.Lys158Asn). This variant is not present in population databases (gnomAD no frequency). This variant has not been reported in the literature in individuals affected with RPL5-related conditions. ClinVar contains an entry for this variant (Variation ID: 2581907). Invitae Evidence Modeling of protein sequence and biophysical properties (such as structural, functional, and spatial information, amino acid conservation, physicochemical variation, residue mobility, and thermodynamic stability) indicates that this missense variant is not expected to disrupt RPL5 protein function with a negative predictive value of 80%. In summary, the available evidence is currently insufficient to determine the role of this variant in disease. Therefore, it has been classified as a Variant of Uncertain Significance.

GeneDx
Classification: Uncertain significance. Last evaluated: 2023-03-29. Review status: criteria provided, single submitter. Criteria: GeneDx Variant Classification Process June 2021. Collection method: clinical testing. Allele origin: germline. Affected: yes.
Comment: Not observed at significant frequency in large population cohorts (gnomAD); In silico analysis supports that this missense variant does not alter protein structure/function; Has not been previously published as pathogenic or benign to our knowledge